The following is an entry in ClinVar:

ClinVar aggregate classification (germline): Uncertain significance (1 of 4 stars; one submission).

Conditions:
Hypertrophic cardiomyopathy 26. Also called: Cardiomyopathy, familial hypertrophic, 26. Identifiers: Orphanet 75249, MedGen C4310749, MONDO:0014883, OMIM 617047.
Myofibrillar myopathy 5. Also called: Filaminopathy (type); FILAMINOPATHY, AUTOSOMAL DOMINANT. Identifiers: Orphanet 171445, MedGen C1836050, MONDO:0012289, OMIM 609524.
Distal myopathy with posterior leg and anterior hand involvement. Also called: WILLIAMS DISTAL MYOPATHY. Identifiers: Orphanet 63273, MedGen C3279722, MONDO:0013550, OMIM 614065.

gnomAD v4.1: 2 of 1,614,072 alleles (0.00012%); highest among the groups gnomAD compares: East Asian, 0.0045%; no homozygotes.

Submission:

Labcorp Genetics (formerly Invitae), Labcorp
Classification: Uncertain significance for Distal myopathy with posterior leg and anterior hand involvement; Myofibrillar myopathy 5; Hypertrophic cardiomyopathy 26. Last evaluated: 2024-03-16. Review status: criteria provided, single submitter. Criteria: Invitae Variant Classification Sherloc (09022015). Collection method: clinical testing. Allele origin: germline.
Comment: This sequence change falls in intron 38 of the FLNC gene. It does not directly change the encoded amino acid sequence of the FLNC protein. It affects a nucleotide within the consensus splice site. This variant is present in population databases (no rsID available, gnomAD 0.006%). This variant has not been reported in the literature in individuals affected with FLNC-related conditions. Variants that disrupt the consensus splice site are a relatively common cause of aberrant splicing (PMID: 17576681, 9536098). Algorithms developed to predict the effect of sequence changes on RNA splicing suggest that this variant is not likely to affect RNA splicing. In summary, the available evidence is currently insufficient to determine the role of this variant in disease. Therefore, it has been classified as a Variant of Uncertain Significance.

Literature cited by the submitters: PubMed 17576681; PubMed 9536098.

NM_001458.5(FLNC):c.6361+3A>G

Genes: FLNC-AS1 (FLNC antisense RNA 1; minus strand), FLNC (filamin C; plus strand). Cytogenetic location: 7q32.1.
Variant type: single nucleotide variant.
Coding change: c.6361+3A>G on transcript NM_001458.5 (MANE Select); 3 bases into the intron after coding-DNA position 6361, A replaced by G.
Molecular consequence: intron variant.
Genome position (GRCh38, 1-based): chr7:128,853,624, A>G. VCF-style: chr7-128853624-A-G. GRCh37 (hg19) VCF-style: chr7-128493678-A-G.
Other names: c.6262+3A>G (NM_001127487.2).
Identifiers: ClinVar variation 3748452 (VCV003748452.2).